The following is an entry in ClinVar:

NM_001377458.1(CLCC1):c.1316C>T (p.Pro439Leu)

Gene: CLCC1 (chloride channel CLIC like 1; minus strand). Cytogenetic location: 1p13.3.
Variant type: single nucleotide variant.
Coding change: c.1316C>T on transcript NM_001377458.1 (MANE Select); coding-DNA position 1316, C replaced by T.
Protein change: p.Pro439Leu; replaces proline 439 with leucine.
Molecular consequence: missense variant. On other transcripts: non-coding transcript variant (1).
Genome position (GRCh38, 1-based): chr1:108,937,144, G>A on the plus strand (C>T on the coding strand, the complement: CLCC1 is on the minus strand). VCF-style: chr1-108937144-G-A. GRCh37 (hg19) VCF-style: chr1-109479766-G-A.
Other names: c.1316C>T, p.Pro439Leu (NM_001377464.1, NM_001377465.1, NM_001377466.1 and 8 more transcripts); c.1025C>T, p.Pro342Leu (NM_001377470.1); c.1166C>T, p.Pro389Leu (NM_015127.5); c.1214C>T, p.Pro405Leu (NM_001377469.1); c.953C>T, p.Pro318Leu (NM_001278202.2); c.761C>T, p.Pro254Leu (NM_001278203.1); short protein forms P318L, P254L, P342L, P405L, P389L, P439L.
Identifiers: ClinVar variation 1346278 (VCV001346278.7), dbSNP rs746722429, ClinGen allele CA983358.

ClinVar aggregate classification (germline): Uncertain significance (1 of 4 stars; one submission).

Allele frequency attached by ClinVar (database versions not stated): gnomAD exomes below 0.00001; ExAC 0.00001.
gnomAD v4.1: 6 of 1,567,846 alleles (0.00038%); highest among the groups gnomAD compares: Middle Eastern, 0.017%; no homozygotes.

Submission:

Labcorp Genetics (formerly Invitae), Labcorp
Classification: Uncertain significance. Last evaluated: 2022-08-23. Review status: criteria provided, single submitter. Criteria: Invitae Variant Classification Sherloc (09022015). Collection method: clinical testing. Allele origin: germline.
Comment: Algorithms developed to predict the effect of missense changes on protein structure and function output the following: SIFT: "Deleterious"; PolyPhen-2: "Benign"; Align-GVGD: "Class C0". The leucine amino acid residue is found in multiple mammalian species, which suggests that this missense change does not adversely affect protein function. In summary, the available evidence is currently insufficient to determine the role of this variant in disease. Therefore, it has been classified as a Variant of Uncertain Significance. ClinVar contains an entry for this variant (Variation ID: 1346278). This variant has not been reported in the literature in individuals affected with CLCC1-related conditions. This variant is present in population databases (rs746722429, gnomAD 0.005%). This sequence change replaces proline, which is neutral and non-polar, with leucine, which is neutral and non-polar, at codon 439 of the CLCC1 protein (p.Pro439Leu).